The following is an entry in ClinVar:

NM_025215.6(PUS1):c.789C>G (p.Ile263Met)

Gene: PUS1 (pseudouridine synthase 1; plus strand). Cytogenetic location: 12q24.33.
Variant type: single nucleotide variant.
Coding change: c.789C>G on transcript NM_025215.6 (MANE Select); coding-DNA position 789, C replaced by G.
Protein change: p.Ile263Met; replaces isoleucine 263 with methionine.
Molecular consequence: missense variant.
Genome position (GRCh38, 1-based): chr12:131,941,536, C>G. VCF-style: chr12-131941536-C-G. GRCh37 (hg19) VCF-style: chr12-132426081-C-G.
Other names: p.I263M:ATC>ATG; p.Ile263Met; c.705C>G, p.Ile235Met (NM_001002019.3, NM_001002020.3); short protein forms I235M, I263M.
Identifiers: ClinVar variation 215046 (VCV000215046.8), dbSNP rs755760215, ClinGen allele CA323956.

ClinVar aggregate classification (germline): Uncertain significance. Review status: criteria provided, multiple submitters, no conflicts (2 of 4 stars). 4 submissions from 4 submitters: Uncertain significance (3). 1 of the submissions does not count toward it. Last evaluated 2024-02-01.

Conditions:
Myopathy, lactic acidosis, and sideroblastic anemia. Also called: Mitochondrial myopathy and sideroblastic anemia; Myopathy with lactic acidosis and sideroblastic anemia. Identifiers: Orphanet 2598, MedGen C1838103, MONDO:0000863.

Allele frequency attached by ClinVar (database versions not stated): gnomAD 0.00003 and 0.00002; gnomAD exomes 0.00006 and 0.00001; ExAC 0.00002; TOPMed 0.00006.
gnomAD v4.1: 22 of 1,614,122 alleles (0.0014%); highest among the groups gnomAD compares: Admixed American, 0.032%; no homozygotes.

Submissions (4):

Mayo Clinic Laboratories, Mayo Clinic
Classification: Uncertain significance. Last evaluated: 2024-02-01. Review status: criteria provided, single submitter. Criteria: ACMG Guidelines, 2015. Collection method: clinical testing. Allele origin: germline. Observed: 3 variant alleles.

Labcorp Genetics (formerly Invitae), Labcorp
Classification: Uncertain significance. Last evaluated: 2022-08-20. Review status: criteria provided, single submitter. Criteria: Invitae Variant Classification Sherloc (09022015). Collection method: clinical testing. Allele origin: germline.
Comment: This sequence change replaces isoleucine, which is neutral and non-polar, with methionine, which is neutral and non-polar, at codon 263 of the PUS1 protein (p.Ile263Met). This variant is present in population databases (rs755760215, gnomAD 0.04%). This variant has not been reported in the literature in individuals affected with PUS1-related conditions. ClinVar contains an entry for this variant (Variation ID: 215046). Algorithms developed to predict the effect of missense changes on protein structure and function are either unavailable or do not agree on the potential impact of this missense change (SIFT: "Tolerated"; PolyPhen-2: "Possibly Damaging"; Align-GVGD: "Class C0"). In summary, the available evidence is currently insufficient to determine the role of this variant in disease. Therefore, it has been classified as a Variant of Uncertain Significance.

GeneDx
Classification: Uncertain significance. Last evaluated: 2019-03-26. Review status: criteria provided, single submitter. Criteria: GeneDx Variant Classification Process June 2021. Collection method: clinical testing. Allele origin: germline. Affected: yes.

Natera, Inc.
Classification: Uncertain significance for Mitochondrial myopathy and sideroblastic anemia. Last evaluated: 2019-10-28. Review status: no assertion criteria provided. Collection method: clinical testing. Allele origin: germline. Not counted in ClinVar's aggregate classification.